The following is an entry in ClinVar:

NM_017739.4(POMGNT1):c.997A>G (p.Ile333Val)

Genes: POMGNT1 (protein O-linked mannose N-acetylglucosaminyltransferase 1 (beta 1,2-); minus strand), TSPAN1 (tetraspanin 1; plus strand). Cytogenetic location: 1p34.1.
Variant type: single nucleotide variant.
Coding change: c.997A>G on transcript NM_017739.4 (MANE Select); coding-DNA position 997, A replaced by G.
Protein change: p.Ile333Val; replaces isoleucine 333 with valine.
Molecular consequence: missense variant.
Genome position (GRCh38, 1-based): chr1:46,193,593, T>C on the plus strand (A>G on the coding strand, the complement: POMGNT1 is on the minus strand). VCF-style: chr1-46193593-T-C. GRCh37 (hg19) VCF-style: chr1-46659265-T-C.
Other names: c.997A>G, p.Ile333Val (NM_001243766.2, NM_001410783.1); c.931A>G, p.Ile311Val (NM_001290129.3); c.568A>G, p.Ile190Val (NM_001290130.2); short protein forms I333V, I190V, I311V.
Identifiers: ClinVar variation 2074974 (VCV002074974.1), dbSNP rs1357080327, ClinGen allele CA340180791.

ClinVar aggregate classification (germline): Uncertain significance (1 of 4 stars; one submission).

Conditions:
Autosomal recessive limb-girdle muscular dystrophy type 2O. Also called: Limb-Girdle Muscular Dystrophy Type 3C; MUSCULAR DYSTROPHY-DYSTROGLYCANOPATHY (LIMB-GIRDLE), TYPE C, 3; MUSCULAR DYSTROPHY-DYSTROGLYCANOPATHY, LIMB-GIRDLE, POMGNT1-RELATED. Identifiers: Orphanet 206564, MedGen C3150417, MONDO:0013161, OMIM 613157.
Muscular dystrophy-dystroglycanopathy (congenital with impaired intellectual development), type B, 3. Also called: Muscular dystrophy-dystroglycanopathy (congenital with intellectual disability), type B3; MUSCULAR DYSTROPHY, CONGENITAL, POMGNT1-RELATED. Identifiers: MedGen C3150412, MONDO:0013155, OMIM 613151.

Allele frequency attached by ClinVar (database versions not stated): TOPMed below 0.00001; gnomAD exomes 0.00001.
gnomAD v4.1: 10 of 1,614,122 alleles (0.00062%); highest among the groups gnomAD compares: Non-Finnish European, 0.00085%; no homozygotes.

Submission:

Labcorp Genetics (formerly Invitae), Labcorp
Classification: Uncertain significance for Autosomal recessive limb-girdle muscular dystrophy type 2O; Muscular dystrophy-dystroglycanopathy (congenital with impaired intellectual development), type B, 3. Last evaluated: 2022-08-13. Review status: criteria provided, single submitter. Criteria: Invitae Variant Classification Sherloc (09022015). Collection method: clinical testing. Allele origin: germline.
Comment: This sequence change replaces isoleucine, which is neutral and non-polar, with valine, which is neutral and non-polar, at codon 333 of the POMGNT1 protein (p.Ile333Val). This variant is present in population databases (no rsID available, gnomAD 0.002%). This variant has not been reported in the literature in individuals affected with POMGNT1-related conditions. Advanced modeling of protein sequence and biophysical properties (such as structural, functional, and spatial information, amino acid conservation, physicochemical variation, residue mobility, and thermodynamic stability) performed at Invitae indicates that this missense variant is not expected to disrupt POMGNT1 protein function. Algorithms developed to predict the effect of sequence changes on RNA splicing suggest that this variant may create or strengthen a splice site. In summary, the available evidence is currently insufficient to determine the role of this variant in disease. Therefore, it has been classified as a Variant of Uncertain Significance.